The following is an entry in ClinVar:

NM_007294.4(BRCA1):c.1631A>T (p.Gln544Leu)

Gene: BRCA1 (BRCA1 DNA repair associated; minus strand). Cytogenetic location: 17q21.31.
Variant type: single nucleotide variant.
Coding change: c.1631A>T on transcript NM_007294.4 (MANE Select); coding-DNA position 1631, A replaced by T.
Protein change: p.Gln544Leu; replaces glutamine 544 with leucine.
Molecular consequence: missense variant. On other transcripts: intron variant (137).
Genome position (GRCh38, 1-based): chr17:43,093,900, T>A on the plus strand (A>T on the coding strand, the complement: BRCA1 is on the minus strand). VCF-style: chr17-43093900-T-A. GRCh37 (hg19) VCF-style: chr17-41245917-T-A.
Other names: c.664+844A>T (NM_001408430.1, NM_001408442.1, NM_001408426.1 and 12 more transcripts); c.670+1946A>T (NM_001408423.1, NM_001408420.1, NM_001408419.1 and 2 more transcripts); c.787+844A>T (NM_001407982.1, NM_001407970.1, NM_001407980.1 and 19 more transcripts); c.1418A>T, p.Gln473Leu (NM_001407571.1, NM_001407853.1, NM_001407894.1 and 9 more transcripts); c.1631A>T, p.Gln544Leu (NM_001407581.1, NM_001407582.1, NM_001407583.1 and 30 more transcripts); c.1628A>T, p.Gln543Leu (NM_001407587.1, NM_001407590.1, NM_001407591.1 and 22 more transcripts); c.1622A>T, p.Gln541Leu (NM_001407646.1, NM_001407647.1); c.1508A>T, p.Gln503Leu (NM_001407648.1, NM_001407664.1, NM_001407665.1 and 19 more transcripts); and 40 more; short protein forms Q544L, Q497L, Q432L, Q455L, Q473L, Q474L, Q477L, Q376L.
Identifiers: ClinVar variation 631174 (VCV000631174.14), dbSNP rs397508892, ClinGen allele CA10598777.

ClinVar aggregate classification (germline): Conflicting classifications of pathogenicity. Review status: criteria provided, conflicting classifications (1 of 4 stars). 6 submissions from 6 submitters: Uncertain significance (5); Likely benign (1). Last evaluated 2024-04-16.

Conditions:
Hereditary breast ovarian cancer syndrome. Also called: Hereditary breast and ovarian cancer; Hereditary breast and ovarian cancer syndrome (HBOC); Breast and ovarian cancer; Hereditary breast and ovarian cancer syndrome; BRCA1- and BRCA2-Associated Hereditary Breast and Ovarian Cancer; Hereditary breast and/or ovarian cancer syndrome. Identifiers: Orphanet 145, MedGen C0677776, MeSH D061325, MONDO:0003582. Disease mechanism: loss of function.
Hereditary cancer-predisposing syndrome. Also called: Tumor predisposition; Neoplastic Syndromes, Hereditary; Hereditary neoplastic syndrome; Hereditary Cancer Syndrome. Identifiers: Orphanet 140162, MedGen C0027672, MeSH D009386, MONDO:0015356.
BRCA1-related cancer predisposition. Identifiers: MedGen CN377757, MONDO:0700268.

Submissions (6):

All of Us Research Program, National Institutes of Health
Classification: Uncertain significance for BRCA1-related cancer predisposition. Last evaluated: 2024-04-16. Review status: criteria provided, single submitter. Criteria: ACMG Guidelines, 2015. Collection method: clinical testing. Allele origin: germline. Inheritance: Autosomal dominant inheritance. Observed: 1 variant allele, 1 heterozygote.
Comment: This missense variant replaces glutamine with leucine at codon 544 of the BRCA1 protein. Computational prediction is inconclusive regarding the impact of this variant on protein structure and function. To our knowledge, functional studies have not been reported for this variant. This variant has not been reported in individuals affected with BRCA1-related disorders in the literature. This variant has not been identified in the general population by the Genome Aggregation Database (gnomAD). The available evidence is insufficient to determine the role of this variant in disease conclusively. Therefore, this variant is classified as a Variant of Uncertain Significance.

This study involves interpretation of variants in research participants for the purpose of population health screening. Participant phenotype was not available at the time of variant classification. Additional details can be found in publication PMID: 35346344, PMCID: PMC8962531

Color Diagnostics, LLC DBA Color Health
Classification: Uncertain significance for Hereditary cancer-predisposing syndrome. Last evaluated: 2024-04-03. Review status: criteria provided, single submitter. Criteria: ACMG Guidelines, 2015. Collection method: clinical testing. Allele origin: germline.
Comment: This missense variant replaces glutamine with leucine at codon 544 of the BRCA1 protein. Computational prediction is inconclusive regarding the impact of this variant on protein structure and function. To our knowledge, functional studies have not been reported for this variant. This variant has not been reported in individuals affected with BRCA1-related disorders in the literature. This variant has not been identified in the general population by the Genome Aggregation Database (gnomAD). The available evidence is insufficient to determine the role of this variant in disease conclusively. Therefore, this variant is classified as a Variant of Uncertain Significance.

University of Washington Department of Laboratory Medicine, University of Washington
Classification: Likely benign for Hereditary cancer-predisposing syndrome. Last evaluated: 2023-03-23. Review status: criteria provided, single submitter. Criteria: Dines et al. (Genet Med. 2020). Collection method: curation. Allele origin: germline.
Comment: Missense variant in a coldspot region where missense variants are very unlikely to be pathogenic (PMID:31911673).

BRCA1 coldspot (exon 11 using historical exon numbering). Reclassification based on statistical prior probability

Ambry Genetics
Classification: Uncertain significance for Hereditary cancer-predisposing syndrome. Last evaluated: 2022-07-28. Review status: criteria provided, single submitter. Criteria: Ambry Variant Classification Scheme 2023. Collection method: clinical testing. Allele origin: germline.
Comment: The p.Q544L variant (also known as c.1631A>T), located in coding exon 9 of the BRCA1 gene, results from an A to T substitution at nucleotide position 1631. The glutamine at codon 544 is replaced by leucine, an amino acid with dissimilar properties. This amino acid position is not well conserved in available vertebrate species. In addition, this alteration is predicted to be deleterious by in silico analysis. Since supporting evidence is limited at this time, the clinical significance of this alteration remains unclear.

Labcorp Genetics (formerly Invitae), Labcorp
Classification: Uncertain significance for Hereditary breast ovarian cancer syndrome. Last evaluated: 2022-04-01. Review status: criteria provided, single submitter. Criteria: Invitae Variant Classification Sherloc (09022015). Collection method: clinical testing. Allele origin: germline.
Comment: This sequence change replaces glutamine, which is neutral and polar, with leucine, which is neutral and non-polar, at codon 544 of the BRCA1 protein (p.Gln544Leu). This variant is not present in population databases (gnomAD no frequency). This variant has not been reported in the literature in individuals affected with BRCA1-related conditions. ClinVar contains an entry for this variant (Variation ID: 631174). Advanced modeling of protein sequence and biophysical properties (such as structural, functional, and spatial information, amino acid conservation, physicochemical variation, residue mobility, and thermodynamic stability) performed at Invitae indicates that this missense variant is not expected to disrupt BRCA1 protein function. In summary, the available evidence is currently insufficient to determine the role of this variant in disease. Therefore, it has been classified as a Variant of Uncertain Significance.

Quest Diagnostics Nichols Institute San Juan Capistrano
Classification: Uncertain significance. Last evaluated: 2020-05-17. Review status: criteria provided, single submitter. Criteria: Quest Diagnostics criteria. Collection method: clinical testing. Allele origin: unknown.